The following is an entry in ClinVar:

ClinVar aggregate classification (germline): Pathogenic (1 of 4 stars; one submission).

Conditions:
Intellectual developmental disorder, X-linked 1. Also called: Atkin Flaitz Patil Smith syndrome; Intellectual disability, X-linked 1; MENTAL RETARDATION, X-LINKED 18; MENTAL RETARDATION, X-LINKED 78. Identifiers: Orphanet 777, MedGen C2931498, MONDO:0010656, OMIM 309530.

Submission:

Labcorp Genetics (formerly Invitae), Labcorp
Classification: Pathogenic for Intellectual developmental disorder, X-linked 1. Last evaluated: 2022-03-23. Review status: criteria provided, single submitter. Criteria: Invitae Variant Classification Sherloc (09022015). Collection method: clinical testing. Allele origin: germline.
Comment: This sequence change creates a premature translational stop signal (p.Glu1085Glyfs*17) in the IQSEC2 gene. It is expected to result in an absent or disrupted protein product. Loss-of-function variants in IQSEC2 are known to be pathogenic (PMID: 21686261, 26793055, 27665735). This variant is not present in population databases (gnomAD no frequency). This variant has not been reported in the literature in individuals affected with IQSEC2-related conditions. For these reasons, this variant has been classified as Pathogenic.

Literature cited by the submitters: PubMed 21686261; PubMed 26793055; PubMed 27665735.

NM_001111125.3(IQSEC2):c.3254del (p.Glu1085fs)

Gene: IQSEC2 (IQ motif and Sec7 domain ArfGEF 2; minus strand). Cytogenetic location: Xp11.22.
Variant type: Deletion.
Coding change: c.3254del on transcript NM_001111125.3 (MANE Select); coding-DNA position 3254, one base deleted (A; older notation c.3254delA).
Protein change: p.Glu1085fs; shifts the reading frame from glutamic acid 1085.
Molecular consequence: frameshift variant.
Genome position (GRCh38, 1-based): chrX:53,238,168, T deleted on the plus strand (A on the coding strand, the reverse complement: IQSEC2 is on the minus strand). VCF-style (leftmost placement, unchanged base first): chrX-53238167-CT-C. GRCh37 (hg19) VCF-style: chrX-53267349-CT-C.
Other names: c.3254delA, p.Glu1085Glyfs (NM_001410736.1); c.2639del, p.Glu880fs (NM_015075.2); short protein forms E880fs, E1085fs.
Identifiers: ClinVar variation 2116295 (VCV002116295.4), dbSNP rs2519704378, ClinGen allele CA2580101233.
Genomic context (GRCh38, chrX:53,238,167, plus strand): 5'-TCAGGAGAGCAGGGAGGAGACATGGCTGGGCTACTCACACTCCACACGGTATTTCTCCAT[CT>C]CCTGCACCTCCGCAATGGACTCGCGCAGGTCGGATGTAAAGCGCAGCCGGTCCTGGAGGC-3'